The following is an entry in ClinVar:

NM_000163.5(GHR):c.697A>T (p.Lys233Ter)

Gene: GHR (growth hormone receptor; plus strand). Cytogenetic location: 5p12.
Variant type: single nucleotide variant.
Coding change: c.697A>T on transcript NM_000163.5 (MANE Select); coding-DNA position 697, A replaced by T.
Protein change: p.Lys233Ter; replaces lysine 233 with a stop codon.
Molecular consequence: nonsense.
Genome position (GRCh38, 1-based): chr5:42,711,285, A>T. VCF-style: chr5-42711285-A-T. GRCh37 (hg19) VCF-style: chr5-42711387-A-T.
Other names: c.718A>T, p.Lys240Ter (NM_001242399.2); c.697A>T, p.Lys233Ter (NM_001242400.2, NM_001242401.4, NM_001242402.2 and 5 more transcripts); c.631A>T, p.Lys211Ter (NM_001242460.2); short protein forms K211*, K233*, K240*.
Identifiers: ClinVar variation 2807422 (VCV002807422.3), dbSNP rs2530742160, ClinGen allele CA359695947.

ClinVar aggregate classification (germline): Pathogenic (1 of 4 stars; one submission).

Submission:

Labcorp Genetics (formerly Invitae), Labcorp
Classification: Pathogenic. Last evaluated: 2024-01-03. Review status: criteria provided, single submitter. Criteria: Invitae Variant Classification Sherloc (09022015). Collection method: clinical testing. Allele origin: germline.
Comment: This sequence change creates a premature translational stop signal (p.Lys233*) in the GHR gene. It is expected to result in an absent or disrupted protein product. Loss-of-function variants in GHR are known to be pathogenic (PMID: 1999489, 8488849). This variant is not present in population databases (gnomAD no frequency). This variant has not been reported in the literature in individuals affected with GHR-related conditions. For these reasons, this variant has been classified as Pathogenic.

Literature cited by the submitters: PubMed 1999489; PubMed 8488849.